The following is an entry in ClinVar:

ClinVar aggregate classification (germline): Uncertain significance. Review status: criteria provided, multiple submitters, no conflicts (2 of 4 stars). 3 submissions from 3 submitters: Uncertain significance (3). Last evaluated 2025-10-07.

Conditions:
Hereditary cancer-predisposing syndrome. Also called: Neoplastic Syndromes, Hereditary; Tumor predisposition; Hereditary Cancer Syndrome; Hereditary neoplastic syndrome. Identifiers: Orphanet 140162, MedGen C0027672, MeSH D009386, MONDO:0015356.
Tumor predisposition syndrome 3 (TPDS3). Also called: Melanoma, cutaneous malignant, susceptibility to, 10; Glioma susceptibility 9; LONG TELOMERE SYNDROME, POT1-RELATED; POT1 Tumor Predisposition. Identifiers: Orphanet 618, MedGen C4014476, MONDO:0014368, OMIM 615848.

Allele frequency attached by ClinVar (database versions not stated): gnomAD exomes below 0.00001.
gnomAD v4.1: 1 of 1,483,486 alleles (0.000067%); highest among the groups gnomAD compares: Non-Finnish European, 0.000089%; no homozygotes.

Submissions (3):

Labcorp Genetics (formerly Invitae), Labcorp
Classification: Uncertain significance for Tumor predisposition syndrome 3. Last evaluated: 2025-10-07. Review status: criteria provided, single submitter. Criteria: Invitae Variant Classification Sherloc (09022015). Collection method: clinical testing. Allele origin: germline.
Comment: This sequence change replaces tyrosine, which is neutral and polar, with cysteine, which is neutral and slightly polar, at codon 11 of the POT1 protein (p.Tyr11Cys). This variant is not present in population databases (gnomAD no frequency). This variant has not been reported in the literature in individuals affected with POT1-related conditions. ClinVar contains an entry for this variant (Variation ID: 2191151). Invitae Evidence Modeling of protein sequence and biophysical properties (such as structural, functional, and spatial information, amino acid conservation, physicochemical variation, residue mobility, and thermodynamic stability) indicates that this missense variant is not expected to disrupt POT1 protein function with a negative predictive value of 80%. In summary, the available evidence is currently insufficient to determine the role of this variant in disease. Therefore, it has been classified as a Variant of Uncertain Significance.

Center for Genomic Medicine, Rigshospitalet, Copenhagen University Hospital
Classification: Uncertain significance. Last evaluated: 2025-03-04. Review status: criteria provided, single submitter. Criteria: ACMG Guidelines, 2015. Collection method: clinical testing. Allele origin: germline.

Ambry Genetics
Classification: Uncertain significance for Hereditary cancer-predisposing syndrome. Last evaluated: 2023-11-30. Review status: criteria provided, single submitter. Criteria: Ambry Variant Classification Scheme 2023. Collection method: clinical testing. Allele origin: germline.
Comment: The p.Y11C variant (also known as c.32A>G), located in coding exon 2 of the POT1 gene, results from an A to G substitution at nucleotide position 32. The tyrosine at codon 11 is replaced by cysteine, an amino acid with highly dissimilar properties. This amino acid position is highly conserved in available vertebrate species. In addition, this alteration is predicted to be deleterious by in silico analysis. Since supporting evidence is limited at this time, the clinical significance of this alteration remains unclear.

NM_015450.3(POT1):c.32A>G (p.Tyr11Cys)

Gene: POT1 (protection of telomeres 1; minus strand). Cytogenetic location: 7q31.33.
Variant type: single nucleotide variant.
Coding change: c.32A>G on transcript NM_015450.3 (MANE Select); coding-DNA position 32, A replaced by G.
Protein change: p.Tyr11Cys; replaces tyrosine 11 with cysteine.
Molecular consequence: missense variant. On other transcripts: 5 prime UTR variant (1), non-coding transcript variant (3).
Genome position (GRCh38, 1-based): chr7:124,892,358, T>C on the plus strand (A>G on the coding strand, the complement: POT1 is on the minus strand). VCF-style: chr7-124892358-T-C. GRCh37 (hg19) VCF-style: chr7-124532412-T-C.
Other names: c.32A>G (NM_015450.2); c.-231A>G (NM_001042594.2); short protein forms Y11C.
Identifiers: ClinVar variation 2191151 (VCV002191151.6), dbSNP rs1796392612, ClinGen allele CA369066256.
Genomic context (GRCh38, chr7:124,892,358, plus strand): 5'-AACTTCACAACACCATAGACATTGACAATTGTACCACCCTTAAGTTGATTCAGGGGTGTA[T>C]ATATATAATTTGTTGCTGGAACCTAAAGAAAGAGAAGACAGTGAATACATTTATACAAAG-3'
Protein context (NP_056265.2, residues 1-21): MSLVPATNYI[Tyr11Cys]TPLNQLKGGT